The following is an entry in ClinVar:

ClinVar aggregate classification (germline): Uncertain significance (1 of 4 stars; one submission).

Allele frequency attached by ClinVar (database versions not stated): gnomAD 0.00001; gnomAD exomes 0.00001; TOPMed 0.00001.
gnomAD v4.1: 11 of 1,613,984 alleles (0.00068%); highest among the groups gnomAD compares: African/African-American, 0.0013%; no homozygotes.

Submissions (2):

Labcorp Genetics (formerly Invitae), Labcorp
Classification: Uncertain significance. Last evaluated: 2022-03-29. Review status: criteria provided, single submitter. Criteria: Invitae Variant Classification Sherloc (09022015). Collection method: clinical testing. Allele origin: germline.
Comment: This variant is present in population databases (no rsID available, gnomAD 0.004%). In summary, the available evidence is currently insufficient to determine the role of this variant in disease. Therefore, it has been classified as a Variant of Uncertain Significance. Variants that disrupt the consensus splice site are a relatively common cause of aberrant splicing (PMID: 17576681, 9536098). Algorithms developed to predict the effect of sequence changes on RNA splicing suggest that this variant may disrupt the consensus splice site. This variant has not been reported in the literature in individuals affected with TRAF3IP1-related conditions. This sequence change falls in intron 10 of the TRAF3IP1 gene. It does not directly change the encoded amino acid sequence of the TRAF3IP1 protein. It affects a nucleotide within the consensus splice site.

Dr. Peter K. Rogan Lab, Western University
No classification provided (evidence only). Condition: Malignant tumor of esophagus. Review status: no classification provided. Collection method: in vitro. Allele origin: not applicable. Functional consequence: skipped exon, retained intron. Not counted in ClinVar's aggregate classification.

Literature cited by the submitters: PubMed 17576681 (cited by Labcorp Genetics (formerly Invitae), Labcorp); PubMed 9536098 (cited by Labcorp Genetics (formerly Invitae), Labcorp).

NM_015650.4(TRAF3IP1):c.1282+4A>G

Gene: TRAF3IP1 (TRAF3 interacting protein 1; plus strand). Cytogenetic location: 2q37.3.
Variant type: single nucleotide variant.
Coding change: c.1282+4A>G on transcript NM_015650.4 (MANE Select); 4 bases into the intron after coding-DNA position 1282, A replaced by G.
Molecular consequence: intron variant.
Genome position (GRCh38, 1-based): chr2:238,347,479, A>G. VCF-style: chr2-238347479-A-G. GRCh37 (hg19) VCF-style: chr2-239256120-A-G.
Other names: c.1084+4A>G (NM_001139490.1).
Identifiers: ClinVar variation 1935967 (VCV001935967.6), dbSNP rs1406341996, ClinGen allele CA431969182.
Genomic context (GRCh38, chr2:238,347,479, plus strand): 5'-CACGAAAGCTAATTTTCTGATGTGCTTTTTCTTTAGGTGACTCCACCAGTGATGCAGGTG[A>G]GGAATGGCCTTAGATACCTGTGTGTCATATCAATTGTATGCATGTGTGTGAATGTGAATG-3'